The following is an entry in ClinVar:

NM_153252.5(BRWD3):c.1581T>G (p.His527Gln)

Gene: BRWD3 (bromodomain and WD repeat domain containing 3; minus strand). Cytogenetic location: Xq21.1.
Variant type: single nucleotide variant.
Coding change: c.1581T>G on transcript NM_153252.5 (MANE Select); coding-DNA position 1581, T replaced by G.
Protein change: p.His527Gln; replaces histidine 527 with glutamine.
Molecular consequence: missense variant.
Genome position (GRCh38, 1-based): chrX:80,723,817, A>C on the plus strand (T>G on the coding strand, the complement: BRWD3 is on the minus strand). VCF-style: chrX-80723817-A-C. GRCh37 (hg19) VCF-style: chrX-79979316-A-C.
Other names: short protein forms H527Q.
Identifiers: ClinVar variation 3372331 (VCV003372331.1).

ClinVar aggregate classification (germline): Uncertain significance (1 of 4 stars; one submission).

Submission:

GeneDx
Classification: Uncertain significance. Last evaluated: 2024-04-09. Review status: criteria provided, single submitter. Criteria: GeneDx Variant Classification Process June 2021. Collection method: clinical testing. Allele origin: germline. Affected: yes.
Comment: Not observed at significant frequency in large population cohorts (gnomAD); In silico analysis supports that this missense variant has a deleterious effect on protein structure/function; Has not been previously published as pathogenic or benign to our knowledge